The following is an entry in ClinVar:

ClinVar aggregate classification (germline): Uncertain significance (1 of 4 stars; one submission).

Conditions:
Early-infantile DEE. Also called: Early infantile epileptic encephalopathy with suppression bursts; Early infantile epileptic encephalopathy; Ohtahara syndrome. Identifiers: Orphanet 1934, MedGen C0393706, MONDO:0800491.

gnomAD v4.1: 2 of 1,613,894 alleles (0.00012%); highest among the groups gnomAD compares: Admixed American, 0.0033%; no homozygotes.

Submission:

Labcorp Genetics (formerly Invitae), Labcorp
Classification: Uncertain significance for Early-infantile DEE. Last evaluated: 2024-11-24. Review status: criteria provided, single submitter. Criteria: Invitae Variant Classification Sherloc (09022015). Collection method: clinical testing. Allele origin: germline.
Comment: This sequence change replaces arginine, which is basic and polar, with tryptophan, which is neutral and slightly polar, at codon 1913 of the SCN8A protein (p.Arg1913Trp). This variant is present in population databases (no rsID available, gnomAD 0.006%). This variant has not been reported in the literature in individuals affected with SCN8A-related conditions. Invitae Evidence Modeling of protein sequence and biophysical properties (such as structural, functional, and spatial information, amino acid conservation, physicochemical variation, residue mobility, and thermodynamic stability) indicates that this missense variant is not expected to disrupt SCN8A protein function with a negative predictive value of 95%. In summary, the available evidence is currently insufficient to determine the role of this variant in disease. Therefore, it has been classified as a Variant of Uncertain Significance.

NM_001330260.2(SCN8A):c.5737C>T (p.Arg1913Trp)

Gene: SCN8A (sodium voltage-gated channel alpha subunit 8; plus strand). Cytogenetic location: 12q13.13.
Variant type: single nucleotide variant.
Coding change: c.5737C>T on transcript NM_001330260.2 (MANE Select); coding-DNA position 5737, C replaced by T.
Protein change: p.Arg1913Trp; replaces arginine 1913 with tryptophan.
Molecular consequence: missense variant.
Genome position (GRCh38, 1-based): chr12:51,807,223, C>T. VCF-style: chr12-51807223-C-T. GRCh37 (hg19) VCF-style: chr12-52201007-C-T.
Other names: c.5614C>T, p.Arg1872Trp (NM_001177984.3, NM_001369788.1); c.5737C>T, p.Arg1913Trp (NM_014191.4); short protein forms R1872W, R1913W.
Identifiers: ClinVar variation 3627945 (VCV003627945.2).